The following is an entry in ClinVar:

ClinVar aggregate classification (germline): Uncertain significance (1 of 4 stars; one submission).

Submission:

Labcorp Genetics (formerly Invitae), Labcorp
Classification: Uncertain significance. Last evaluated: 2022-09-07. Review status: criteria provided, single submitter. Criteria: Invitae Variant Classification Sherloc (09022015). Collection method: clinical testing. Allele origin: germline.
Comment: In summary, the available evidence is currently insufficient to determine the role of this variant in disease. Therefore, it has been classified as a Variant of Uncertain Significance. Algorithms developed to predict the effect of missense changes on protein structure and function are either unavailable or do not agree on the potential impact of this missense change (SIFT: "Tolerated"; PolyPhen-2: "Probably Damaging"; Align-GVGD: "Class C0"). ClinVar contains an entry for this variant (Variation ID: 1383397). This variant has not been reported in the literature in individuals affected with TCIRG1-related conditions. This variant is not present in population databases (gnomAD no frequency). This sequence change replaces glutamic acid, which is acidic and polar, with lysine, which is basic and polar, at codon 36 of the TCIRG1 protein (p.Glu36Lys).

NM_006019.4(TCIRG1):c.106G>A (p.Glu36Lys)

Gene: TCIRG1 (T cell immune regulator 1, ATPase H+ transporting V0 subunit a3; plus strand). Cytogenetic location: 11q13.2.
Variant type: single nucleotide variant.
Coding change: c.106G>A on transcript NM_006019.4 (MANE Select); coding-DNA position 106, G replaced by A.
Protein change: p.Glu36Lys; replaces glutamic acid 36 with lysine.
Molecular consequence: missense variant. On other transcripts: 5 prime UTR variant (1).
Genome position (GRCh38, 1-based): chr11:68,041,377, G>A. VCF-style: chr11-68041377-G-A. GRCh37 (hg19) VCF-style: chr11-67808844-G-A.
Other names: c.-1144G>A (NM_001351059.2); short protein forms E36K.
Identifiers: ClinVar variation 1383397 (VCV001383397.6), dbSNP rs2134430854, ClinGen allele CA381573059.